The following is an entry in ClinVar:

NM_014946.4(SPAST):c.1348A>G (p.Arg450Gly)

Gene: SPAST (spastin; plus strand). Cytogenetic location: 2p22.3.
Variant type: single nucleotide variant.
Coding change: c.1348A>G on transcript NM_014946.4 (MANE Select); coding-DNA position 1348, A replaced by G.
Protein change: p.Arg450Gly; replaces arginine 450 with glycine.
Molecular consequence: missense variant.
Genome position (GRCh38, 1-based): chr2:32,136,903, A>G. VCF-style: chr2-32136903-A-G. GRCh37 (hg19) VCF-style: chr2-32361972-A-G.
Other names: c.1345A>G, p.Arg449Gly (NM_001363823.2); c.1249A>G, p.Arg417Gly (NM_001363875.2); c.1252A>G, p.Arg418Gly (NM_001377959.1, NM_199436.2); short protein forms R450G, R418G, R449G, R417G.
Identifiers: ClinVar variation 536442 (VCV000536442.16), dbSNP rs1553318223, ClinGen allele CA346502217.

ClinVar aggregate classification (germline): Pathogenic/Likely pathogenic. Review status: criteria provided, multiple submitters, no conflicts (2 of 4 stars). 4 submissions from 4 submitters: Pathogenic (2); Likely pathogenic (2). Last evaluated 2024-09-20.

Conditions:
Hereditary spastic paraplegia 4. Also called: Spastic Paraplegia 4; Familial spastic paraplegia autosomal dominant 2; Spastic paraplegia 4, autosomal dominant. Identifiers: Orphanet 100985, MedGen C1866855, MONDO:0008438, OMIM 182601.

Submissions (4):

3billion
Classification: Likely pathogenic for Hereditary spastic paraplegia 4. Last evaluated: 2024-09-20. Review status: criteria provided, single submitter. Criteria: ACMG Guidelines, 2015. Collection method: clinical testing. Allele origin: germline. Affected: yes.
Comment: The variant is not observed in the gnomAD v4.0.0 dataset. Predicted Consequence/Location: Missense variant In silico tool predictions suggest damaging effect of the variant on gene or gene product [REVEL: 0.90 (>=0.6, sensitivity 0.68 and specificity 0.92); 3Cnet: 0.99 (>=0.6, sensitivity 0.72 and precision 0.9)]. The same nucleotide change resulting in the same amino acid change has been previously reported as pathogenic/likely pathogenic with strong evidence (ClinVar ID: VCV000536442 /PMID: 32277485). Different missense changes at the same codon (p.Arg450Lys, p.Arg450Ser, p.Arg450Thr) have been reported to be associated with SPAST related disorder (PMID: 21546041, 30476002, 36537231). Therefore, this variant is classified as Likely pathogenic according to the recommendation of ACMG/AMP guideline.

Concord Molecular Medicine Laboratory, Concord Repatriation General Hospital
Classification: Pathogenic for Hereditary spastic paraplegia 4. Last evaluated: 2024-02-20. Review status: criteria provided, single submitter. Criteria: ACMG Guidelines, 2015. Collection method: clinical testing. Allele origin: germline. Inheritance: Autosomal dominant inheritance. Affected: yes.
Comment: In silico analysis by REVEL suggests this variant to be damaging (REVEL: 0.898). It is located in the critical core ATPase AAA-type domain (IPR003959) and in a mutational hot spot. The variation is absent in control population (GnomAD). Another amino acid changes in the same residue location has been observed in individuals with HSP (PMID: 21546041).

Labcorp Genetics (formerly Invitae), Labcorp
Classification: Pathogenic for Hereditary spastic paraplegia 4. Last evaluated: 2022-06-09. Review status: criteria provided, single submitter. Criteria: Invitae Variant Classification Sherloc (09022015). Collection method: clinical testing. Allele origin: germline.
Comment: For these reasons, this variant has been classified as Pathogenic. This variant disrupts the p.Arg450 amino acid residue in SPAST. Other variant(s) that disrupt this residue have been observed in individuals with SPAST-related conditions (PMID: 21546041; Invitae), which suggests that this may be a clinically significant amino acid residue. Algorithms developed to predict the effect of sequence changes on RNA splicing suggest that this variant may create or strengthen a splice site. Advanced modeling of protein sequence and biophysical properties (such as structural, functional, and spatial information, amino acid conservation, physicochemical variation, residue mobility, and thermodynamic stability) performed at Invitae indicates that this missense variant is expected to disrupt SPAST protein function. ClinVar contains an entry for this variant (Variation ID: 536442). This missense change has been observed in individuals with clinical features of spastic paraplegia (Invitae). This variant is not present in population databases (gnomAD no frequency). This sequence change replaces arginine, which is basic and polar, with glycine, which is neutral and non-polar, at codon 450 of the SPAST protein (p.Arg450Gly).

Greenwood Genetic Center Diagnostic Laboratories, Greenwood Genetic Center
Classification: Likely pathogenic for Hereditary spastic paraplegia 4. Last evaluated: 2021-12-01. Review status: criteria provided, single submitter. Criteria: ACMG Guidelines, 2015. Collection method: clinical testing. Allele origin: germline. Affected: yes.
Comment: PM5, PM2, PM1, PP3

Literature cited by the submitters: PubMed 21546041 (cited by 3billion and Labcorp Genetics (formerly Invitae), Labcorp); PubMed 32277485 (cited by 3billion).